The following is an entry in ClinVar:

ClinVar aggregate classification (germline): Conflicting classifications of pathogenicity. Review status: criteria provided, conflicting classifications (1 of 4 stars). 5 submissions from 5 submitters: Likely pathogenic (3); Uncertain significance (2). Last evaluated 2024-12-02.

Conditions:
Joubert syndrome 9 (JBTS9). Identifiers: Orphanet 2318, MedGen C2676788, MONDO:0012849, OMIM 612285.
COACH syndrome 2. Identifiers: MedGen C5436837, MONDO:0030859, OMIM 619111.
Meckel syndrome, type 6. Identifiers: Orphanet 564, MedGen C2676790, MONDO:0012848, OMIM 612284.
Retinitis pigmentosa 93. Identifiers: MedGen C5676970, MONDO:0030797, OMIM 619845.
Retinal dystrophy. Also called: Inherited retinal dystrophy. Identifiers: Orphanet 71862, MedGen C0854723, MeSH D058499, MONDO:0019118, HP:0000556.
Joubert syndrome. Also called: Familial aplasia of the vermis; JOUBERT-BOLTSHAUSER SYNDROME. Identifiers: Orphanet 475, MedGen C5979921, MONDO:0018772.
Meckel-Gruber syndrome. Also called: Dysencephalia splachnocystica; DYSENCEPHALIA SPLANCHNOCYSTICA; GRUBER SYNDROME. Identifiers: Orphanet 564, MedGen C0265215, MONDO:0018921.

gnomAD v4.1: 24 of 1,606,676 alleles (0.0015%); highest among the groups gnomAD compares: Non-Finnish European, 0.002%; no homozygotes.

Submissions (5):

Labcorp Genetics (formerly Invitae), Labcorp
Classification: Uncertain significance for Joubert syndrome; Meckel-Gruber syndrome. Last evaluated: 2024-12-02. Review status: criteria provided, single submitter. Criteria: Invitae Variant Classification Sherloc (09022015). Collection method: clinical testing. Allele origin: germline.
Comment: This sequence change falls in intron 31 of the CC2D2A gene. It does not directly change the encoded amino acid sequence of the CC2D2A protein. It affects a nucleotide within the consensus splice site. This variant is present in population databases (rs576298659, gnomAD 0.002%). This variant has been observed in individual(s) with Joubert syndrome (PMID: 22241855). ClinVar contains an entry for this variant (Variation ID: 217619). Variants that disrupt the consensus splice site are a relatively common cause of aberrant splicing (PMID: 17576681, 9536098). Algorithms developed to predict the effect of sequence changes on RNA splicing suggest that this variant may disrupt the consensus splice site. In summary, the available evidence is currently insufficient to determine the role of this variant in disease. Therefore, it has been classified as a Variant of Uncertain Significance.

Blueprint Genetics
Classification: Uncertain significance. Last evaluated: 2024-09-13. Review status: criteria provided, single submitter. Criteria: ACMG Guidelines, 2015. Collection method: clinical testing. Allele origin: germline.

Fulgent Genetics
Classification: Likely pathogenic for Meckel syndrome, type 6; Joubert syndrome 9; COACH syndrome 2; Retinitis pigmentosa 93. Last evaluated: 2024-05-29. Review status: criteria provided, single submitter. Criteria: ACMG Guidelines, 2015. Collection method: clinical testing. Allele origin: germline.

Institute of Human Genetics, Univ. Regensburg, Univ. Regensburg
Classification: Likely pathogenic for Retinal dystrophy. Last evaluated: 2022-01-01. Review status: criteria provided, single submitter. Criteria: ACMG Guidelines, 2015. Collection method: clinical testing. Allele origin: germline. Affected: yes.

UW Hindbrain Malformation Research Program, University of Washington
Classification: Likely pathogenic for Joubert syndrome 9. Last evaluated: 2015-02-23. Review status: criteria provided, single submitter. Criteria: Bachmann-Gagescu et al. (J Med Genet. 2015). Collection method: research. Allele origin: unknown. Affected: yes.

Literature cited by the submitters: PubMed 22241855 (cited by Labcorp Genetics (formerly Invitae), Labcorp and Institute of Human Genetics, Univ. Regensburg, Univ. Regensburg); PubMed 17576681 (cited by Labcorp Genetics (formerly Invitae), Labcorp); PubMed 9536098 (cited by Labcorp Genetics (formerly Invitae), Labcorp); PubMed 3196484 (cited by Institute of Human Genetics, Univ. Regensburg, Univ. Regensburg).

NM_001378615.1(CC2D2A):c.3976-3C>A

Genes: CC2D2A (coiled-coil and C2 domain containing 2A; plus strand), FBXL5 (F-box and leucine rich repeat protein 5; minus strand). Cytogenetic location: 4p15.32.
Variant type: single nucleotide variant.
Coding change: c.3976-3C>A on transcript NM_001378615.1 (MANE Select); 3 bases into the intron before coding-DNA position 3976, C replaced by A.
Molecular consequence: intron variant.
Genome position (GRCh38, 1-based): chr4:15,586,154, C>A. VCF-style: chr4-15586154-C-A. GRCh37 (hg19) VCF-style: chr4-15587777-C-A.
Other names: c.3976-3C>A (NM_001080522.2); c.3829-3C>A (NM_001378617.1).
Identifiers: ClinVar variation 217619 (VCV000217619.7), dbSNP rs576298659, ClinGen allele CA210298.